The following is an entry in ClinVar:

NM_002739.5(PRKCG):c.2075T>G (p.Val692Gly)

Gene: PRKCG (protein kinase C gamma; plus strand). Cytogenetic location: 19q13.42.
Variant type: single nucleotide variant.
Coding change: c.2075T>G on transcript NM_002739.5 (MANE Select); coding-DNA position 2075, T replaced by G.
Protein change: p.Val692Gly; replaces valine 692 with glycine.
Molecular consequence: missense variant.
Genome position (GRCh38, 1-based): chr19:53,906,876, T>G. VCF-style: chr19-53906876-T-G. GRCh37 (hg19) VCF-style: chr19-54410130-T-G.
Other names: c.2075t>g; c.2075T>G (LRG_669t1); c.2075T>G, p.Val692Gly (NM_001316329.2); short protein forms V692G.
Identifiers: ClinVar variation 42145 (VCV000042145.5), dbSNP rs78437096, ClinGen allele CA344603.
Genomic context (GRCh38, chr19:53,906,876, plus strand): 5'-GCTTCACCTACGTGAACCCCGACTTCGTGCACCCGGATGCCCGCAGCCCCACCAGCCCAG[T>G]GCCTGTGCCCGTCATGTAATCTCACCCGCCGCCACTAGGTGTCCCCAACGTCCCCTCCGC-3'
Protein context (NP_002730.1, residues 682-697): HPDARSPTSP[Val692Gly]PVPVM

ClinVar aggregate classification (germline): Conflicting classifications of pathogenicity. Review status: criteria provided, conflicting classifications (1 of 4 stars). 4 submissions from 4 submitters: Uncertain significance (1); Benign (1); Likely benign (1). 1 of the submissions does not count toward it. Last evaluated 2025-06-24.

Conditions:
Spinocerebellar ataxia type 14 (SCA14). Identifiers: Orphanet 98763, MedGen C1854369, MONDO:0011540, OMIM 605361.

Allele frequency attached by ClinVar (database versions not stated): gnomAD 0.00007; TOPMed 0.00009; ESP Exome Variant Server 0.00015.
gnomAD v4.1: 248 of 1,613,376 alleles (0.015%); highest among the groups gnomAD compares: Non-Finnish European, 0.02%; no homozygotes.

Submissions (4):

Mayo Clinic Laboratories, Mayo Clinic
Classification: Likely benign. Last evaluated: 2025-06-24. Review status: criteria provided, single submitter. Criteria: ACMG Guidelines, 2015. Collection method: clinical testing. Allele origin: germline. Observed: 2 variant alleles.
Comment: BS1_supporting, BS2

GeneDx
Classification: Uncertain significance. Last evaluated: 2017-10-10. Review status: criteria provided, single submitter. Criteria: GeneDx Variant Classification (06012015). Collection method: clinical testing. Allele origin: germline. Affected: yes.
Comment: The V692G variant in the PRKCG gene has been reported previously in the heterozygous state in two individuals from the same family with autosomal dominant spinocerebellar ataxia 14 (Klebe et al., 2005). The V692G variant is observed in 17/125754 (0.0135%) alleles from individuals of European (non-Finnish) background in large population cohorts (Lek et al., 2016). The V692G variant is a conservative amino acid substitution, which is not likely to impact secondary protein structure as these residues share similar properties. This substitution occurs at a position that is not conserved. In silico analysis is inconsistent in its predictions as to whether or not the variant is damaging to the protein structure/function. We interpret V692G as a variant of uncertain significance.

Athena Diagnostics
Classification: Benign. Last evaluated: 2017-06-30. Review status: criteria provided, single submitter. Criteria: Athena Diagnostics Criteria. Collection method: clinical testing. Allele origin: germline.

GeneReviews
Classification: Pathogenic for Spinocerebellar Ataxia Type14. Last evaluated: 2013-04-18. Review status: no assertion criteria provided. Collection method: curation. Allele origin: unknown. Not counted in ClinVar's aggregate classification.
ClinVar note: Converted during submission from pathologic to Pathogenic.

Literature cited by the submitters: PubMed 16193476 (cited by Mayo Clinic Laboratories, Mayo Clinic and Athena Diagnostics); PubMed 18499672 (cited by Mayo Clinic Laboratories, Mayo Clinic and Athena Diagnostics); PubMed 21666345 (cited by Mayo Clinic Laboratories, Mayo Clinic); PubMed 29603387 (cited by Mayo Clinic Laboratories, Mayo Clinic); PubMed 40221062 (cited by Mayo Clinic Laboratories, Mayo Clinic).